The following is an entry in ClinVar:

ClinVar aggregate classification (germline): Uncertain significance (1 of 4 stars; one submission).

Conditions:
Developmental and epileptic encephalopathy. Identifiers: MedGen C5779964, MONDO:0100620.

Submission:

Labcorp Genetics (formerly Invitae), Labcorp
Classification: Uncertain significance for Early-infantile DEE. Last evaluated: 2021-09-14. Review status: criteria provided, single submitter. Criteria: Invitae Variant Classification Sherloc (09022015). Collection method: clinical testing. Allele origin: germline.
Comment: In summary, the available evidence is currently insufficient to determine the role of this variant in disease. Therefore, it has been classified as a Variant of Uncertain Significance. This variant disrupts a region of the KCNQ2 protein in which other variant(s) (p.Lys829Serfs*35) have been determined to be pathogenic (Invitae). This suggests that this is a clinically significant region of the protein, and that variants that disrupt it are likely to be disease-causing. This variant has been observed in individual(s) with KCNQ2-related conditions (Invitae). This variant, c.2157_*360delins127, is a complex sequence change that results in the deletion of 153 amino acids and addition of 73 amino acids amino acid(s) in the KCNQ2 protein (p.Pro720_873delins73).

NC_000020.10:g.(?_62037637)_(62038459_?)del

Gene: KCNQ2 (potassium voltage-gated channel subfamily Q member 2; minus strand). Cytogenetic location: 20q13.33.
Variant type: Deletion.
Identifiers: ClinVar variation 1444293 (VCV001444293.5).